The following is an entry in ClinVar:

ClinVar aggregate classification (germline): Likely pathogenic (1 of 4 stars; one submission).

Conditions:
Autosomal recessive limb-girdle muscular dystrophy type 2J (LGMDR10). Also called: Limb-girdle muscular dystrophy, type 2J; MUSCULAR DYSTROPHY, LIMB-GIRDLE, AUTOSOMAL RECESSIVE 10. Identifiers: Orphanet 140922, MedGen C1837342, MONDO:0012127, OMIM 608807.
Dilated cardiomyopathy 1G (CMD1G). Identifiers: Orphanet 154, MedGen C1858763, MONDO:0011400, OMIM 604145.

Submission:

Labcorp Genetics (formerly Invitae), Labcorp
Classification: Likely pathogenic for Dilated cardiomyopathy 1G; Autosomal recessive limb-girdle muscular dystrophy type 2J. Last evaluated: 2024-12-27. Review status: criteria provided, single submitter. Criteria: Invitae Variant Classification Sherloc (09022015). Collection method: clinical testing. Allele origin: germline.
Comment: This sequence change affects an acceptor splice site in intron 168 of the TTN gene. It is expected to disrupt RNA splicing and likely results in a truncated or disrupted TTN protein. This variant is not present in population databases (gnomAD no frequency). This variant has not been reported in the literature in individuals affected with TTN-related conditions. Algorithms developed to predict the effect of sequence changes on RNA splicing suggest that this variant may disrupt the consensus splice site. This variant is located in the I band of TTN (PMID: 25589632). Truncating variants in this region have been reported in individuals affected with autosomal recessive centronuclear myopathy (PMID: 23975875, internal data). Truncating variants in this region have also been identified in individuals affected with autosomal dominant dilated cardiomyopathy and/or cardio-related conditions (PMID: 27869827, 32964742, internal data). In summary, the currently available evidence indicates that the variant is pathogenic, but additional data are needed to prove that conclusively. Therefore, this variant has been classified as Likely Pathogenic.

Literature cited by the submitters: PubMed 25589632; PubMed 23975875; PubMed 27869827; PubMed 32964742.

NM_001267550.2(TTN):c.36281-1G>A

Gene: TTN (titin; minus strand). Cytogenetic location: 2q31.2.
Variant type: single nucleotide variant.
Coding change: c.36281-1G>A on transcript NM_001267550.2 (MANE Select); the canonical splice acceptor site of the intron before coding-DNA position 36281, G replaced by A.
Molecular consequence: splice acceptor variant. On other transcripts: intron variant (5).
Genome position (GRCh38, 1-based): chr2:178,664,099, C>T on the plus strand (G>A on the coding strand, the complement: TTN is on the minus strand). VCF-style: chr2-178664099-C-T. GRCh37 (hg19) VCF-style: chr2-179528826-C-T.
Other names: c.13283-21782G>A (NM_003319.4); c.13859-21782G>A (NM_133437.4); c.13658-21782G>A (NM_133432.3); c.31484-1044G>A (NM_133378.4); c.34265-1044G>A (NM_001256850.1).
Identifiers: ClinVar variation 3763490 (VCV003763490.2).